The following is an entry in ClinVar:

ClinVar aggregate classification (germline): Uncertain significance (1 of 4 stars; one submission).

Submission:

Labcorp Genetics (formerly Invitae), Labcorp
Classification: Uncertain significance. Last evaluated: 2025-03-17. Review status: criteria provided, single submitter. Criteria: Invitae Variant Classification Sherloc (09022015). Collection method: clinical testing. Allele origin: germline.
Comment: This sequence change replaces threonine, which is neutral and polar, with alanine, which is neutral and non-polar, at codon 10 of the BCAP31 protein (p.Thr10Ala). This variant is not present in population databases (gnomAD no frequency). This variant has not been reported in the literature in individuals affected with BCAP31-related conditions. ClinVar contains an entry for this variant (Variation ID: 2764998). An algorithm developed to predict the effect of missense changes on protein structure and function (PolyPhen-2) suggests that this variant is likely to be tolerated. In summary, the available evidence is currently insufficient to determine the role of this variant in disease. Therefore, it has been classified as a Variant of Uncertain Significance.

NM_001256447.2(BCAP31):c.28A>G (p.Thr10Ala)

Gene: BCAP31 (B cell receptor associated protein 31; minus strand). Cytogenetic location: Xq28.
Variant type: single nucleotide variant.
Coding change: c.28A>G on transcript NM_001256447.2 (MANE Select); coding-DNA position 28, A replaced by G.
Protein change: p.Thr10Ala; replaces threonine 10 with alanine.
Molecular consequence: missense variant.
Genome position (GRCh38, 1-based): chrX:153,723,217, T>C on the plus strand (A>G on the coding strand, the complement: BCAP31 is on the minus strand). VCF-style: chrX-153723217-T-C. GRCh37 (hg19) VCF-style: chrX-152988672-T-C.
Other names: c.28A>G, p.Thr10Ala (NM_001139441.1, NM_005745.8); c.229A>G, p.Thr77Ala (NM_001139457.2); short protein forms T77A, T10A.
Identifiers: ClinVar variation 2764998 (VCV002764998.3), dbSNP rs2522250151, ClinGen allele CA415096185.
Genomic context (GRCh38, chrX:153,723,217, plus strand): 5'-TAGGAGAAATGAAGGGAATGCAGAGAAGCAACACAACAAAGACCTCCGCATAGAGGAAGG[T>C]GGCAACTGCAGTCCACTGCAGACTCATCCTGTTGCTAGAAGGTTTCCCACAGGAAGATGT-3'
Protein context (NP_001243376.1, residues 1-20): MSLQWTAVA[Thr10Ala]FLYAEVFVVL